The following is an entry in ClinVar:

ClinVar aggregate classification (germline): Pathogenic (1 of 4 stars; one submission).

Submission:

Labcorp Genetics (formerly Invitae), Labcorp
Classification: Pathogenic. Last evaluated: 2024-02-24. Review status: criteria provided, single submitter. Criteria: Invitae Variant Classification Sherloc (09022015). Collection method: clinical testing. Allele origin: germline.
Comment: This sequence change creates a premature translational stop signal (p.Gln279Serfs*11) in the RMND1 gene. It is expected to result in an absent or disrupted protein product. Loss-of-function variants in RMND1 are known to be pathogenic (PMID: 27412952). This variant is not present in population databases (gnomAD no frequency). This variant has not been reported in the literature in individuals affected with RMND1-related conditions. ClinVar contains an entry for this variant (Variation ID: 1366404). For these reasons, this variant has been classified as Pathogenic.

Literature cited by the submitters: PubMed 27412952.

NM_017909.4(RMND1):c.834del (p.Gln279fs)

Gene: RMND1 (required for meiotic nuclear division 1 homolog; minus strand). Cytogenetic location: 6q25.1.
Variant type: Deletion.
Coding change: c.834del on transcript NM_017909.4 (MANE Select); coding-DNA position 834, one base deleted (A; older notation c.834delA).
Protein change: p.Gln279fs; shifts the reading frame from glutamine 279.
Molecular consequence: frameshift variant.
Genome position (GRCh38, 1-based): chr6:151,423,628, T deleted on the plus strand (A on the coding strand, the reverse complement: RMND1 is on the minus strand). VCF-style (leftmost placement, unchanged base first): chr6-151423627-GT-G. GRCh37 (hg19) VCF-style: chr6-151744762-GT-G.
Other names: c.324del, p.Gln109fs (NM_001271937.2); short protein forms Q109fs, Q279fs.
Identifiers: ClinVar variation 1366404 (VCV001366404.6), dbSNP rs2114938789, ClinGen allele CA2573140652.
Genomic context (GRCh38, chr6:151,423,627, plus strand): 5'-TGGCATCATCTAAATCCAGCTCTGAATTTAACTTGATTTCCCCCCTGTGAAGTTTTGACT[GT>G]CCCCTGTGAAAAGCAAAAAGATAATACCTTCTAAATCTTAAAAAGCACTTTAACTTTTCC-3'